The following is an entry in ClinVar:

ClinVar aggregate classification (germline): Uncertain significance (1 of 4 stars; one submission).

Conditions:
Dilated cardiomyopathy 1G (CMD1G). Identifiers: Orphanet 154, MedGen C1858763, MONDO:0011400, OMIM 604145.

Submission:

MVZ Medizinische Genetik Mainz
Classification: Uncertain significance for Dilated cardiomyopathy 1G. Last evaluated: 2025-08-27. Review status: criteria provided, single submitter. Criteria: UK Practice Guidelines For Variant Classification V4 01 2020. Collection method: clinical testing. Allele origin: germline. Inheritance: Autosomal dominant inheritance. Affected: yes. Observed: 1 variant allele.
Comment: ACMG Criteria: PVS1_STR,PM2_SUP

NM_001267550.2(TTN):c.41156G>A (p.Trp13719Ter)

Gene: TTN (titin; minus strand). Cytogenetic location: 2q31.2.
Variant type: single nucleotide variant.
Coding change: c.41156G>A on transcript NM_001267550.2 (MANE Select); coding-DNA position 41156, G replaced by A.
Protein change: p.Trp13719Ter; replaces tryptophan 13719 with a stop codon.
Molecular consequence: nonsense.
Genome position (GRCh38, 1-based): chr2:178,636,571, C>T on the plus strand (G>A on the coding strand, the complement: TTN is on the minus strand). VCF-style: chr2-178636571-C-T. GRCh37 (hg19) VCF-style: chr2-179501298-C-T.
Other names: c.36233G>A, p.Trp12078Ter (NM_001256850.1); c.13961G>A, p.Trp4654Ter (NM_003319.4); c.33452G>A, p.Trp11151Ter (NM_133378.4); c.14336G>A, p.Trp4779Ter (NM_133432.3); c.14537G>A, p.Trp4846Ter (NM_133437.4); short protein forms W11151*, W12078*, W13719*, W4654*, W4779*, W4846*.
Identifiers: ClinVar variation 4277264 (VCV004277264.1).
Genomic context (GRCh38, chr2:178,636,571, plus strand): 5'-TTACCATCTGCAATAAACCTGTGCTTGGGACTCTCACGGATATTGCTACCGTCTTTCATC[C>T]AGGTTGTAATTGCAGTGGAAGGGGAGACCAAACATTCAAAGATTGCTGAAGAGCCAACGA-3'